The following is an entry in ClinVar:

NR_002825.2(SIGLEC16):n.902G>A

Gene: SIGLEC16 (sialic acid binding Ig like lectin 16 (gene/pseudogene); plus strand). Cytogenetic location: 19q13.33.
Variant type: single nucleotide variant.
Molecular consequence: synonymous variant (on NM_001348364.2). On other transcripts: non-coding transcript variant (1).
Genome position: GRCh38 VCF-style: chr19-49971215-G-A. GRCh37 (hg19) VCF-style: chr19-50474472-G-A.
Other names: c.804G>A, p.Thr268= (NM_001348364.2).
Identifiers: ClinVar variation 2650298 (VCV002650298.24), dbSNP rs756806553, ClinGen allele CA9590456.

ClinVar aggregate classification (germline): Likely benign (1 of 4 stars; one submission).

Allele frequency attached by ClinVar (database versions not stated): 1000 Genomes Project 30x 0.00297; ExAC 0.01823.

Submission:

CeGaT Center for Human Genetics Tuebingen
Classification: Likely benign. Last evaluated: 2023-03-01. Review status: criteria provided, single submitter. Criteria: CeGaT Center For Human Genetics Tuebingen Variant Classification Criteria Version 2. Collection method: clinical testing. Allele origin: germline. Affected: yes. Observed: 1 variant allele.
Comment: SIGLEC16: BP4, BP7